The following is an entry in ClinVar:

ClinVar aggregate classification (germline): Likely benign (1 of 4 stars; one submission).

Allele frequency attached by ClinVar (database versions not stated): gnomAD exomes below 0.00001 and 0.00001; TOPMed below 0.00001; ExAC 0.00001; gnomAD 0.00001; 1000 Genomes Project 30x 0.00016.

Submission:

Laboratory for Molecular Medicine, Mass General Brigham Personalized Medicine
Classification: Likely benign. Last evaluated: 2013-06-02. Review status: criteria provided, single submitter. Criteria: LMM Criteria. Collection method: clinical testing. Allele origin: germline. Observed: 1 variant allele.
Comment: Asn111Asn in exon 3 of ACTG1: This variant is not expected to have clinical sign ificance because it does not alter an amino acid residue and is not located near a splice site.

NM_001614.5(ACTG1):c.333C>T (p.Asn111=)

Gene: ACTG1 (actin gamma 1; minus strand). Cytogenetic location: 17q25.3.
Variant type: single nucleotide variant.
Coding change: c.333C>T on transcript NM_001614.5 (MANE Select); coding-DNA position 333, C replaced by T.
Protein change: p.Asn111=; no amino-acid change (asparagine 111 retained).
Molecular consequence: synonymous variant. On other transcripts: non-coding transcript variant (1).
Genome position (GRCh38, 1-based): chr17:81,511,933, G>A on the plus strand (C>T on the coding strand, the complement: ACTG1 is on the minus strand). VCF-style: chr17-81511933-G-A. GRCh37 (hg19) VCF-style: chr17-79478959-G-A.
Other names: c.333C>T, p.Asn111= (NM_001199954.3).
Identifiers: ClinVar variation 162719 (VCV000162719.4), dbSNP rs727502884, ClinGen allele CA175214.